The following is an entry in ClinVar:

ClinVar aggregate classification (germline): Likely benign (1 of 4 stars; one submission).

gnomAD v4.1: 1,933 of 1,407,924 alleles (0.14%); highest among the groups gnomAD compares: Non-Finnish European, 0.17%; 3 homozygotes.

Submissions (3):

CeGaT Center for Human Genetics Tuebingen
Classification: Likely benign. Last evaluated: 2026-09-01. Review status: criteria provided, single submitter. Criteria: CeGaT Center For Human Genetics Tuebingen Variant Classification Criteria Version 2. Collection method: clinical testing. Allele origin: germline. Affected: yes. Observed: 1 variant allele.
Comment: CUL3: BS1

Dr. Peter K. Rogan Lab, Western University
No classification provided (evidence only). Condition: Lung cancer. Review status: no classification provided. Collection method: in vitro. Allele origin: not applicable. Functional consequence: retained intron. Not counted in ClinVar's aggregate classification.

Dr. Peter K. Rogan Lab, Western University
No classification provided (evidence only). Condition: Familial pancreatic carcinoma. Review status: no classification provided. Collection method: in vitro. Allele origin: not applicable. Functional consequence: retained intron. Not counted in ClinVar's aggregate classification.

NM_003590.5(CUL3):c.540-24A>G

Gene: CUL3 (cullin 3; minus strand). Cytogenetic location: 2q36.2.
Variant type: single nucleotide variant.
Coding change: c.540-24A>G on transcript NM_003590.5 (MANE Select); 24 bases into the intron before coding-DNA position 540, A replaced by G.
Molecular consequence: intron variant.
Genome position (GRCh38, 1-based): chr2:224,513,662, T>C on the plus strand (A>G on the coding strand, the complement: CUL3 is on the minus strand). VCF-style: chr2-224513662-T-C. GRCh37 (hg19) VCF-style: chr2-225378379-T-C.
Other names: NC_000002.11:g.225378379T>C; c.342-24A>G (NM_001257197.2); c.558-24A>G (NM_001257198.2).
Identifiers: ClinVar variation 4510088 (VCV004510088.2).